The following is an entry in ClinVar:

NM_001267550.2(TTN):c.86675G>A (p.Trp28892Ter)

Genes: TTN (titin; minus strand), TTN-AS1 (TTN antisense RNA 1; plus strand). Cytogenetic location: 2q31.2.
Variant type: single nucleotide variant.
Coding change: c.86675G>A on transcript NM_001267550.2 (MANE Select); coding-DNA position 86675, G replaced by A.
Protein change: p.Trp28892Ter; replaces tryptophan 28892 with a stop codon.
Molecular consequence: nonsense.
Genome position (GRCh38, 1-based): chr2:178,559,457, C>T on the plus strand (G>A on the coding strand, the complement: TTN is on the minus strand). VCF-style: chr2-178559457-C-T. GRCh37 (hg19) VCF-style: chr2-179424184-C-T.
Other names: c.81752G>A, p.Trp27251Ter (NM_001256850.1); c.59480G>A, p.Trp19827Ter (NM_003319.4); c.78971G>A, p.Trp26324Ter (NM_133378.4); c.59855G>A, p.Trp19952Ter (NM_133432.3); c.60056G>A, p.Trp20019Ter (NM_133437.4); short protein forms W28892*, W19827*, W26324*, W20019*, W27251*, W19952*.
Identifiers: ClinVar variation 238856 (VCV000238856.10), dbSNP rs745896785, ClinGen allele CA10581838.
Genomic context (GRCh38, chr2:178,559,457, plus strand): 5'-CCTTCTTGTAAATTGGTAACTTTGTAGGAGAGGCGGTTACAGTTGTTGGTCACAGAGACC[C>T]ATGCTTTCTTGCTGGCCTCACGTTTTTCTATGTGGTAATTCTTCACTGGTGCTCCACCAT-3'

ClinVar aggregate classification (germline): Likely pathogenic (1 of 4 stars; one submission).

Conditions:
Autosomal recessive limb-girdle muscular dystrophy type 2J (LGMDR10). Also called: Limb-girdle muscular dystrophy, type 2J; MUSCULAR DYSTROPHY, LIMB-GIRDLE, AUTOSOMAL RECESSIVE 10. Identifiers: Orphanet 140922, MedGen C1837342, MONDO:0012127, OMIM 608807.
Dilated cardiomyopathy 1G (CMD1G). Identifiers: Orphanet 154, MedGen C1858763, MONDO:0011400, OMIM 604145.

Submission:

Labcorp Genetics (formerly Invitae), Labcorp
Classification: Likely pathogenic for Dilated cardiomyopathy 1G; Autosomal recessive limb-girdle muscular dystrophy type 2J. Last evaluated: 2016-01-25. Review status: criteria provided, single submitter. Criteria: Invitae Variant Classification Sherloc (09022015). Collection method: clinical testing. Allele origin: germline.
Comment: This sequence change creates a premature translational stop signal at codon 28892 (p.Trp28892*) of the TTN gene. It is expected to result in an absent or disrupted protein product. For these reasons, this variant has been classified as Likely Pathogenic. This variant is found in the A-band of this gene. While this particular variant has not been reported in the literature, truncating variants in the A-band of TTN are significantly overrepresented in patients with dilated cardiomyopathy and are considered to be likely pathogenic for the disease (PMID: 25589632).

Literature cited by the submitters: PubMed 25589632.